The following is an entry in ClinVar:

ClinVar aggregate classification (germline): Likely benign (0 of 4 stars; one submission).

Conditions:
MYBPC3-related disorder. Also called: MYBPC3-related disorders; MYBPC3-related condition; MYBPC3-related disease.

Submission:

PreventionGenetics, part of Exact Sciences
Classification: Likely benign for MYBPC3-related condition. Last evaluated: 2023-03-29. Review status: no assertion criteria provided. Collection method: clinical testing. Allele origin: germline.
Comment: This variant is classified as likely benign based on ACMG/AMP sequence variant interpretation guidelines (Richards et al. 2015 PMID: 25741868, with internal and published modifications).

NM_000256.3(MYBPC3):c.1927+590G>C

Gene: MYBPC3 (myosin binding protein C3; minus strand). Cytogenetic location: 11p11.2.
Variant type: single nucleotide variant.
Coding change: c.1927+590G>C on transcript NM_000256.3 (MANE Select); 590 bases into the intron after coding-DNA position 1927, G replaced by C.
Molecular consequence: intron variant.
Genome position (GRCh38, 1-based): chr11:47,340,413, C>G on the plus strand (G>C on the coding strand, the complement: MYBPC3 is on the minus strand). VCF-style: chr11-47340413-C-G. GRCh37 (hg19) VCF-style: chr11-47361964-C-G.
Identifiers: ClinVar variation 3048413 (VCV003048413.2), dbSNP rs2095887358, ClinGen allele CA1969334132.